The following is an entry in ClinVar:

NM_000400.4(ERCC2):c.1310G>A (p.Cys437Tyr)

Gene: ERCC2 (ERCC excision repair 2, TFIIH core complex helicase subunit; minus strand). Cytogenetic location: 19q13.32.
Variant type: single nucleotide variant.
Coding change: c.1310G>A on transcript NM_000400.4 (MANE Select); coding-DNA position 1310, G replaced by A.
Protein change: p.Cys437Tyr; replaces cysteine 437 with tyrosine.
Molecular consequence: missense variant.
Genome position (GRCh38, 1-based): chr19:45,357,541, C>T on the plus strand (G>A on the coding strand, the complement: ERCC2 is on the minus strand). VCF-style: chr19-45357541-C-T. GRCh37 (hg19) VCF-style: chr19-45860799-C-T.
Other names: short protein forms C437Y.
Identifiers: ClinVar variation 3509890 (VCV003509890.1).
Genomic context (GRCh38, chr19:45,357,541, plus strand): 5'-GTGATGATGACAGACTGGAAACGCTCAAATACGGGTTTGATGGCCAGCGAGGCGTCCATG[C>T]AGCTGGAGAGAGATGAGGGCAGTGAGGGCCCGGGGGGCTGGGCCCCCGACCCACAGAGCA-3'
Protein context (NP_000391.1, residues 427-447): TIANPILHFS[Cys437Tyr]MDASLAIKPV

ClinVar aggregate classification (germline): Uncertain significance (1 of 4 stars; one submission).

Conditions:
Inborn genetic diseases. Identifiers: MedGen C0950123, MeSH D030342.

Submission:

Ambry Genetics
Classification: Uncertain significance for Inborn genetic diseases. Last evaluated: 2024-10-28. Review status: criteria provided, single submitter. Criteria: Ambry Variant Classification Scheme 2023. Collection method: clinical testing. Allele origin: germline.
Comment: The p.C437Y variant (also known as c.1310G>A), located in coding exon 14 of the ERCC2 gene, results from a G to A substitution at nucleotide position 1310. The cysteine at codon 437 is replaced by tyrosine, an amino acid with highly dissimilar properties. This amino acid position is conserved. In addition, this alteration is predicted to be deleterious by in silico analysis. Based on the available evidence, the clinical significance of this variant remains unclear.